The following is an entry in ClinVar:

NM_032830.3(UTP4):c.183G>T (p.Arg61=)

Gene: UTP4 (UTP4 small subunit processome component). Cytogenetic location: 16q22.1.
Variant type: single nucleotide variant.
Coding change: c.183G>T on transcript NM_032830.3 (MANE Select); coding-DNA position 183, G replaced by T.
Protein change: p.Arg61=; no amino-acid change (arginine 61 retained).
Molecular consequence: synonymous variant. On other transcripts: 5 prime UTR variant (1).
Genome position (GRCh38, 1-based): chr16:69,136,719, G>T. VCF-style: chr16-69136719-G-T. GRCh37 (hg19) VCF-style: chr16-69170622-G-T.
Other names: c.-67G>T (NM_001318391.2).
Identifiers: ClinVar variation 4989029 (VCV004989029.1).

ClinVar aggregate classification (germline): Likely benign (1 of 4 stars; one submission).

Conditions:
UTP4-related disorder. Also called: UTP4-related condition.

gnomAD v4.1: 48 of 1,613,964 alleles (0.003%); highest among the groups gnomAD compares: South Asian, 0.051%; no homozygotes.

Submission:

PreventionGenetics, part of Exact Sciences
Classification: Likely benign for UTP4-related condition. Last evaluated: 2024-10-16. Review status: criteria provided, single submitter. Criteria: ACMG Guidelines, 2015. Collection method: clinical testing. Allele origin: germline.
Comment: This variant is classified as likely benign based on ACMG/AMP sequence variant interpretation guidelines (Richards et al. 2015 PMID: 25741868, with internal and published modifications).